The following is an entry in ClinVar:

NM_005609.4(PYGM):c.3G>A (p.Met1Ile)

Gene: PYGM (glycogen phosphorylase, muscle associated; minus strand). Cytogenetic location: 11q13.1.
Variant type: single nucleotide variant.
Coding change: c.3G>A on transcript NM_005609.4 (MANE Select); coding-DNA position 3, G replaced by A.
Protein change: p.Met1Ile; changes the start codon (methionine 1).
Molecular consequence: missense variant, initiator codon variant.
Genome position (GRCh38, 1-based): chr11:64,759,896, C>T on the plus strand (G>A on the coding strand, the complement: PYGM is on the minus strand). VCF-style: chr11-64759896-C-T. GRCh37 (hg19) VCF-style: chr11-64527368-C-T.
Other names: c.3G>A, p.Met1Ile (NM_001164716.1); short protein forms M1I.
Identifiers: ClinVar variation 2702114 (VCV002702114.3), dbSNP rs2496676087, ClinGen allele CA381113489.

ClinVar aggregate classification (germline): Pathogenic (1 of 4 stars; one submission).

Conditions:
Glycogen storage disease, type V (GSD5). Also called: McArdle type glycogen storage disease; MCARDLE DISEASE; MUSCLE GLYCOGEN PHOSPHORYLASE DEFICIENCY; MYOPHOSPHORYLASE DEFICIENCY; PYGM DEFICIENCY. Identifiers: Orphanet 368, MedGen C0017924, MONDO:0009293, OMIM 232600.

Submission:

Labcorp Genetics (formerly Invitae), Labcorp
Classification: Pathogenic for Glycogen storage disease, type V. Last evaluated: 2023-12-22. Review status: criteria provided, single submitter. Criteria: Invitae Variant Classification Sherloc (09022015). Collection method: clinical testing. Allele origin: germline.
Comment: This sequence change affects the initiator methionine of the PYGM mRNA. The next in-frame methionine is located at codon 92. This variant is not present in population databases (gnomAD no frequency). Disruption of the initiator codon has been observed in individual(s) with McArdle’s disease (PMID: 7951262, 9506549, 25740218, 28967462). For these reasons, this variant has been classified as Pathogenic.

Literature cited by the submitters: PubMed 7951262; PubMed 9506549; PubMed 25740218; PubMed 28967462.